The following is an entry in ClinVar:

ClinVar aggregate classification (germline): Likely benign. Review status: criteria provided, multiple submitters, no conflicts (2 of 4 stars). 2 submissions from 2 submitters: Likely benign (2). Last evaluated 2026-03-22.

Conditions:
SC5D-related disorder. Also called: SC5D-related condition.

Allele frequency attached by ClinVar (database versions not stated): gnomAD exomes 0.00005 and 0.00009; ExAC 0.00008; 1000 Genomes Project 0.00020; gnomAD 0.00023; 1000 Genomes Project 30x 0.00031; TOPMed 0.00038.
gnomAD v4.1: 115 of 1,613,310 alleles (0.0071%); highest among the groups gnomAD compares: Admixed American, 0.06%; 1 homozygote.

Submissions (2):

PreventionGenetics, part of Exact Sciences
Classification: Likely benign for SC5D-related condition. Last evaluated: 2026-03-22. Review status: criteria provided, single submitter. Criteria: ACMG Guidelines, 2015. Collection method: clinical testing. Allele origin: germline.
Comment: This variant is classified as likely benign based on ACMG/AMP sequence variant interpretation guidelines (Richards et al. 2015 PMID: 25741868, with internal and published modifications).

Labcorp Genetics (formerly Invitae), Labcorp
Classification: Likely benign. Last evaluated: 2025-05-11. Review status: criteria provided, single submitter. Criteria: Invitae Variant Classification Sherloc (09022015). Collection method: clinical testing. Allele origin: germline.

NM_006918.5(SC5D):c.174C>T (p.Phe58=)

Gene: SC5D (sterol-C5-desaturase; plus strand). Cytogenetic location: 11q24.1.
Variant type: single nucleotide variant.
Coding change: c.174C>T on transcript NM_006918.5 (MANE Select); coding-DNA position 174, C replaced by T.
Protein change: p.Phe58=; no amino-acid change (phenylalanine 58 retained).
Molecular consequence: synonymous variant.
Genome position (GRCh38, 1-based): chr11:121,303,549, C>T. VCF-style: chr11-121303549-C-T. GRCh37 (hg19) VCF-style: chr11-121174258-C-T.
Other names: c.174C>T, p.Phe58= (NM_001024956.3).
Identifiers: ClinVar variation 731620 (VCV000731620.10), dbSNP rs200792246, ClinGen allele CA6328042.
Genomic context (GRCh38, chr11:121,303,549, plus strand): 5'-AAATGTTGGTGCTTACATCCTTTATTTCTTCTGTGCAACACTGAGCTATTATTTTGTCTT[C>T]GATCATGCATTAATGAAACATCCACAATTTTTAAAGGTAAGAAATGTTTTTACCTATTTT-3'
Protein context (NP_008849.2, residues 48-68): FCATLSYYFV[Phe58=]DHALMKHPQF